The following is an entry in ClinVar:

ClinVar aggregate classification (germline): Likely benign. Review status: criteria provided, multiple submitters, no conflicts (2 of 4 stars). 3 submissions from 3 submitters: Likely benign (2). 1 of the submissions does not count toward it. Last evaluated 2025-08-17.

Conditions:
KIDINS220-related disorder. Also called: KIDINS220-related condition.

Allele frequency attached by ClinVar (database versions not stated): gnomAD exomes 0.00003 and 0.00006; ExAC 0.00010; ESP Exome Variant Server 0.00025; gnomAD 0.00025 and 0.00028; 1000 Genomes Project 30x 0.00031; TOPMed 0.00032; 1000 Genomes Project 0.00040.
gnomAD v4.1: 76 of 1,587,724 alleles (0.0048%); highest among the groups gnomAD compares: African/African-American, 0.096%; no homozygotes.

Submissions (3):

Labcorp Genetics (formerly Invitae), Labcorp
Classification: Likely benign. Last evaluated: 2025-08-17. Review status: criteria provided, single submitter. Criteria: Invitae Variant Classification Sherloc (09022015). Collection method: clinical testing. Allele origin: germline.

Breakthrough Genomics
Classification: Likely benign. Review status: criteria provided, single submitter. Criteria: ACMG Guidelines, 2015. Collection method: not provided. Allele origin: germline. Inheritance: Autosomal recessive inheritance. Affected: yes.

PreventionGenetics, part of Exact Sciences
Classification: Likely benign for KIDINS220-related condition. Last evaluated: 2021-07-01. Review status: no assertion criteria provided. Collection method: clinical testing. Allele origin: germline. Not counted in ClinVar's aggregate classification.
Comment: This variant is classified as likely benign based on ACMG/AMP sequence variant interpretation guidelines (Richards et al. 2015 PMID: 25741868, with internal and published modifications).

NM_020738.4(KIDINS220):c.114C>G (p.Gly38=)

Gene: KIDINS220 (kinase D interacting substrate 220; minus strand). Cytogenetic location: 2p25.1.
Variant type: single nucleotide variant.
Coding change: c.114C>G on transcript NM_020738.4 (MANE Select); coding-DNA position 114, C replaced by G.
Protein change: p.Gly38=; no amino-acid change (glycine 38 retained).
Molecular consequence: synonymous variant. On other transcripts: 5 prime UTR variant (1), non-coding transcript variant (2).
Genome position (GRCh38, 1-based): chr2:8,818,788, G>C on the plus strand (C>G on the coding strand, the complement: KIDINS220 is on the minus strand). VCF-style: chr2-8818788-G-C. GRCh37 (hg19) VCF-style: chr2-8958918-G-C.
Other names: c.114C>G, p.Gly38= (NM_001348729.2, NM_001348731.2, NM_001348732.2 and 9 more transcripts); c.-13C>G (NM_001348736.2).
Identifiers: ClinVar variation 748706 (VCV000748706.12), dbSNP rs369671667, ClinGen allele CA1520519.